The following is an entry in ClinVar:

ClinVar aggregate classification (germline): Uncertain significance (0 of 4 stars; one submission).

Conditions:
GRIA3-related disorder. Also called: GRIA3-related condition.

Submission:

PreventionGenetics, part of Exact Sciences
Classification: Uncertain significance for GRIA3-related condition. Last evaluated: 2023-12-15. Review status: no assertion criteria provided. Collection method: clinical testing. Allele origin: germline.
Comment: The GRIA3 c.1594A>G variant is predicted to result in the amino acid substitution p.Ile532Val. To our knowledge, this variant has not been reported in the literature or in a large population database, indicating this variant is rare. At this time, the clinical significance of this variant is uncertain due to the absence of conclusive functional and genetic evidence.

NM_007325.5(GRIA3):c.1594A>G (p.Ile532Val)

Gene: GRIA3 (glutamate ionotropic receptor AMPA type subunit 3; plus strand). Cytogenetic location: Xq25.
Variant type: single nucleotide variant.
Coding change: c.1594A>G on transcript NM_007325.5 (MANE Select); coding-DNA position 1594, A replaced by G.
Protein change: p.Ile532Val; replaces isoleucine 532 with valine.
Molecular consequence: missense variant.
Genome position (GRCh38, 1-based): chrX:123,417,495, A>G. VCF-style: chrX-123417495-A-G. GRCh37 (hg19) VCF-style: chrX-122551346-A-G.
Other names: c.1594A>G, p.Ile532Val (NM_000828.5); short protein forms I532V.
Identifiers: ClinVar variation 3033585 (VCV003033585.2), dbSNP rs2521208914, ClinGen allele CA414256814.
Genomic context (GRCh38, chrX:123,417,495, plus strand): 5'-ACATTGGTCCGTGAAGAAGTCATAGATTTTTCAAAGCCATTCATGAGCCTGGGCATCTCC[A>G]TCATGATAAAGAAGCCTCAGAAATCAAAACCAGGCGTATTCTCATTTCTGGATCCCCTGG-3'
Protein context (NP_015564.5, residues 522-542): SKPFMSLGIS[Ile532Val]MIKKPQKSKP